The following is an entry in ClinVar:

NM_018676.4(THSD1):c.921G>T (p.Leu307Phe)

Gene: THSD1 (thrombospondin type 1 domain containing 1; minus strand). Cytogenetic location: 13q14.3.
Variant type: single nucleotide variant.
Coding change: c.921G>T on transcript NM_018676.4 (MANE Select); coding-DNA position 921, G replaced by T.
Protein change: p.Leu307Phe; replaces leucine 307 with phenylalanine.
Molecular consequence: missense variant.
Genome position (GRCh38, 1-based): chr13:52,397,332, C>A on the plus strand (G>T on the coding strand, the complement: THSD1 is on the minus strand). VCF-style: chr13-52397332-C-A. GRCh37 (hg19) VCF-style: chr13-52971467-C-A.
Other names: c.921G>T, p.Leu307Phe (NM_199263.3); short protein forms L307F.
Identifiers: ClinVar variation 4822846 (VCV004822846.4).

ClinVar aggregate classification (germline): Uncertain significance (1 of 4 stars; one submission).

gnomAD v4.1: 2 of 1,614,064 alleles (0.00012%); highest among the groups gnomAD compares: Non-Finnish European, 0.00017%; no homozygotes.

Submission:

CeGaT Center for Human Genetics Tuebingen
Classification: Uncertain significance. Last evaluated: 2026-01-01. Review status: criteria provided, single submitter. Criteria: CeGaT Center For Human Genetics Tuebingen Variant Classification Criteria Version 2. Collection method: clinical testing. Allele origin: germline. Affected: yes. Observed: 1 variant allele.
Comment: THSD1: PM2, BP4